The following is an entry in ClinVar:

ClinVar aggregate classification (germline): Benign/Likely benign. Review status: criteria provided, multiple submitters, no conflicts (2 of 4 stars). 3 submissions from 3 submitters: Benign (1); Likely benign (2). Last evaluated 2025-12-05.

Conditions:
Creatine transporter deficiency (CCDS1). Also called: Mental retardation , X-linked with seizures, short stature and midface hypoplasia; Mental retardation , X-linked, with creatine transport deficiency; X-linked creatine transporter deficiency; X-linked creatine deficiency syndrome; SLC6A8-Related Creatine Transporter Deficiency; CREATINE TRANSPORTER DEFECT. Identifiers: Orphanet 52503, MedGen C1845862, MONDO:0010305, OMIM 300352.

Allele frequency attached by ClinVar (database versions not stated): ExAC 0.00003; gnomAD exomes 0.00003 and 0.00011; TOPMed 0.00004; gnomAD 0.00006; ESP Exome Variant Server 0.00019.
gnomAD v4.1: 123 of 1,200,706 alleles (0.01%); highest among the groups gnomAD compares: Non-Finnish European, 0.013%; no homozygotes.

Submissions (3):

Labcorp Genetics (formerly Invitae), Labcorp
Classification: Benign for Creatine transporter deficiency. Last evaluated: 2025-12-05. Review status: criteria provided, single submitter. Criteria: Invitae Variant Classification Sherloc (09022015). Collection method: clinical testing. Allele origin: germline.

Blueprint Genetics
Classification: Likely benign. Last evaluated: 2024-07-08. Review status: criteria provided, single submitter. Criteria: ACMG Guidelines, 2015. Collection method: clinical testing. Allele origin: germline.

GeneDx
Classification: Likely benign. Last evaluated: 2018-03-09. Review status: criteria provided, single submitter. Criteria: GeneDx Variant Classification (06012015). Collection method: clinical testing. Allele origin: germline. Affected: yes.
Comment: This variant is considered likely benign or benign based on one or more of the following criteria: it is a conservative change, it occurs at a poorly conserved position in the protein, it is predicted to be benign by multiple in silico algorithms, and/or has population frequency not consistent with disease.

NM_005629.4(SLC6A8):c.1496-17G>A

Gene: SLC6A8 (solute carrier family 6 member 8; plus strand). Cytogenetic location: Xq28.
Variant type: single nucleotide variant.
Coding change: c.1496-17G>A on transcript NM_005629.4 (MANE Select); 17 bases into the intron before coding-DNA position 1496, G replaced by A.
Molecular consequence: intron variant.
Genome position (GRCh38, 1-based): chrX:153,694,516, G>A. VCF-style: chrX-153694516-G-A. GRCh37 (hg19) VCF-style: chrX-152959971-G-A.
Other names: c.1466-17G>A (NM_001142805.2); c.1151-17G>A (NM_001142806.1).
Identifiers: ClinVar variation 386258 (VCV000386258.9), dbSNP rs375265267, ClinGen allele CA10549544.
Genomic context (GRCh38, chrX:153,694,516, plus strand): 5'-GGCTGAGGGCTGGGCTGGGGGATGGTGGCGGGGAAGGCAGGTCTCCAGCTTGGCCCTCCC[G>A]CCTCACCTCGCCGCAGGAGCTGACCGCTTCATGGACGACATTGCCTGTATGATCGGGTAC-3'